The following is an entry in ClinVar:

ClinVar aggregate classification (germline): Pathogenic (1 of 4 stars; one submission).

Conditions:
Usher syndrome type 2A. Also called: RETINAL DISEASE IN USHER SYNDROME TYPE IIA, MODIFIER OF; USHER SYNDROME, TYPE IIA. Identifiers: Orphanet 231178, Orphanet 886, MedGen C1848634, MONDO:0010169, OMIM 276901.

Submission:

Natera, Inc.
Classification: Pathogenic for Usher syndrome type 2A. Last evaluated: 2024-07-08. Review status: criteria provided, single submitter. Criteria: Natera Variant Classification Schema (03/2026). Collection method: clinical testing. Allele origin: germline.
Comment: The c.5044del variant in USH2A is a frameshift variant predicted to shift the reading frame beginning at codon 1682 and leads to a stop codon 32 codons downstream. This variant is expected to result in nonsense mediated decay, truncation, or a dysfunctional protein product. This variant is rare in the general population with a frequency below the threshold expected for the associated phenotype(s). This variant has been observed in one or more individuals affected with the associated recessive disease, as either homozygous or compound heterozygous with a second variant (PMID: 36819107). Given the available evidence, this variant is classified as Pathogenic.

Literature cited by the submitters: PubMed 36819107.

NM_206933.4(USH2A):c.5044del (p.Tyr1682fs)

Genes: USH2A (usherin; minus strand), USH2A-AS2 (USH2A antisense RNA 2; plus strand). Cytogenetic location: 1q41.
Variant type: Deletion.
Coding change: c.5044del on transcript NM_206933.4 (MANE Select); coding-DNA position 5044, one base deleted (T; older notation c.5044delT).
Protein change: p.Tyr1682fs; shifts the reading frame from tyrosine 1682.
Molecular consequence: frameshift variant.
Genome position (GRCh38, 1-based): chr1:216,084,821, A deleted on the plus strand (T on the coding strand, the reverse complement: USH2A is on the minus strand); the first of 2 consecutive A bases (chr1:216,084,821-216,084,822); deleting either gives the same sequence. VCF-style (leftmost placement, unchanged base first): chr1-216084820-TA-T. GRCh37 (hg19) VCF-style: chr1-216258162-TA-T.
Other names: short protein forms Y1682fs.
Identifiers: ClinVar variation 4817124 (VCV004817124.1).
Genomic context (GRCh38, chr1:216,084,820, plus strand): 5'-ACGTTGATTTGTTCTTCAGAACTCTGCCAATCCAGAGGTTCCCAAATAGCTGACGGATTG[TA>T]ATTCTTCATAAAATGTACATCCTTGAGACAGCCCACAAAACCTTTTTGGATTATCTCTGC-3'